The following is an entry in ClinVar:

ClinVar aggregate classification (germline): Uncertain significance. Review status: criteria provided, multiple submitters, no conflicts (2 of 4 stars). 5 submissions from 5 submitters: Uncertain significance (5). Last evaluated 2026-01-05.

Conditions:
Familial melanoma. Also called: Hereditary melanoma; Hereditary cutaneous melanoma. Identifiers: Orphanet 618, MedGen C1512419, MONDO:0018961.
Hereditary cancer-predisposing syndrome. Also called: Tumor predisposition; Hereditary Cancer Syndrome; Neoplastic Syndromes, Hereditary; Hereditary neoplastic syndrome. Identifiers: Orphanet 140162, MedGen C0027672, MeSH D009386, MONDO:0015356.

Allele frequency attached by ClinVar (database versions not stated): gnomAD exomes below 0.00001; gnomAD 0.00001 and 0.00002; ExAC 0.00002; TOPMed 0.00004; ESP Exome Variant Server 0.00008; 1000 Genomes Project 30x 0.00016; 1000 Genomes Project 0.00020.
gnomAD v4.1: 9 of 1,612,280 alleles (0.00056%); highest among the groups gnomAD compares: East Asian, 0.018%; no homozygotes.

Submissions (5):

Labcorp Genetics (formerly Invitae), Labcorp
Classification: Uncertain significance for Familial melanoma. Last evaluated: 2026-01-05. Review status: criteria provided, single submitter. Criteria: Invitae Variant Classification Sherloc (09022015). Collection method: clinical testing. Allele origin: germline.
Comment: This sequence change replaces glycine, which is neutral and non-polar, with aspartic acid, which is acidic and polar, at codon 139 of the CDKN2A (p16INK4a) protein (p.Gly139Asp). This variant is not present in population databases (gnomAD no frequency). This variant has not been reported in the literature in individuals affected with CDKN2A (p16INK4a)-related conditions. ClinVar contains an entry for this variant (Variation ID: 491576). An algorithm developed to predict the effect of missense changes on protein structure and function (PolyPhen-2) suggests that this variant is likely to be tolerated. Experimental studies have shown that this missense change affects CDKN2A (p16INK4a) function (PMID: 20522552, 28218424). In summary, the available evidence is currently insufficient to determine the role of this variant in disease. Therefore, it has been classified as a Variant of Uncertain Significance.

Ambry Genetics
Classification: Uncertain significance for Hereditary cancer-predisposing syndrome. Last evaluated: 2024-07-24. Review status: criteria provided, single submitter. Criteria: Ambry Variant Classification Scheme 2023. Collection method: clinical testing. Allele origin: germline.
Comment: The p.G139D variant (also known as c.416G>A), located in coding exon 2 of the CDKN2A gene, results from a G to A substitution at nucleotide position 416. The glycine at codon 139 is replaced by aspartic acid, an amino acid with similar properties. This amino acid position is not well conserved in available vertebrate species. In addition, this alteration is predicted to be tolerated by in silico analysis. Based on the available evidence, the clinical significance of this variant remains unclear.

Women's Health and Genetics/Laboratory Corporation of America, LabCorp
Classification: Uncertain significance. Last evaluated: 2022-07-07. Review status: criteria provided, single submitter. Criteria: LabCorp Variant Classification Summary - May 2015. Collection method: clinical testing. Allele origin: germline.
Comment: Variant summary: CDKN2A c.416G>A (p.Gly139Asp) results in a non-conservative amino acid change located in the 4th Ankyrin-like Repeat (Sun_2010) of the encoded protein sequence. Four of five in-silico tools predict a benign effect of the variant on protein function. The variant allele was found at a frequency of 4.1e-06 in 246256 control chromosomes (gnomAD). The available data on variant occurrences in the general population are insufficient to allow any conclusion about variant significance. c.416G>A has been reported in the literature in individuals affected with Colorectal Cancer (Fujita_2020), but it has also been reported in multiple unaffected controls (McWilliams_2018, Fujita_2020). These reports do not provide unequivocal conclusions about association of the variant with Cutaneous Malignant Melanoma. Experimental evidence demonstrated the variant disrupts interactions with other proteins/transcription factors (Sun_2010, Al-Khalaf_2013, Al-Khalaf_2017), however, no convincing conclusions about the variant effect could be drawn. Four ClinVar submitters (evaluation after 2014) cite the variant as uncertain significance. Based on the evidence outlined above, the variant was classified as uncertain significance.

Color Diagnostics, LLC DBA Color Health
Classification: Uncertain significance for Hereditary cancer-predisposing syndrome. Last evaluated: 2022-05-05. Review status: criteria provided, single submitter. Criteria: ACMG Guidelines, 2015. Collection method: clinical testing. Allele origin: germline.
Comment: The CDKN2A locus encodes two different gene products, p16INK4a and p14ARF. This missense variant replaces glycine with aspartic acid at codon 139 of the CDKN2A (p16INK4A) protein. Computational prediction suggests that this variant may not impact protein structure and function (internally defined REVEL score threshold <= 0.5, PMID: 27666373). A functional study has reported that this variant disrupts p16INK4a protein interaction with GRIM-19, a pro-apoptotic protein (PMID: 20522552). This variant has not been reported in individuals affected with hereditary cancer in the literature. This variant has been identified in 1/246256 chromosomes in the general population by the Genome Aggregation Database (gnomAD). The available evidence is insufficient to determine the role of this variant in disease conclusively. Therefore, this variant is classified as a Variant of Uncertain Significance.

GeneDx
Classification: Uncertain significance. Last evaluated: 2021-12-06. Review status: criteria provided, single submitter. Criteria: GeneDx Variant Classification Process June 2021. Collection method: clinical testing. Allele origin: germline. Affected: yes.
Comment: Not observed at significant frequency in large population cohorts (Lek 2016); In silico analysis supports that this missense variant does not alter protein structure/function; Has not been previously published as pathogenic or benign to our knowledge; This variant is associated with the following publications: (PMID: 8980248)

Literature cited by the submitters: PubMed 20522552 (cited by 3 submitters); PubMed 28218424 (cited by Labcorp Genetics (formerly Invitae), Labcorp and Women's Health and Genetics/Laboratory Corporation of America, LabCorp); PubMed 27756164 (cited by Women's Health and Genetics/Laboratory Corporation of America, LabCorp); PubMed 27960642 (cited by Women's Health and Genetics/Laboratory Corporation of America, LabCorp); PubMed 28765326 (cited by Women's Health and Genetics/Laboratory Corporation of America, LabCorp); PubMed 9166859 (cited by Women's Health and Genetics/Laboratory Corporation of America, LabCorp); PubMed 16818274 (cited by Women's Health and Genetics/Laboratory Corporation of America, LabCorp); PubMed 18519632 (cited by Women's Health and Genetics/Laboratory Corporation of America, LabCorp); PubMed 7718873 (cited by Women's Health and Genetics/Laboratory Corporation of America, LabCorp); PubMed 30038052 (cited by Women's Health and Genetics/Laboratory Corporation of America, LabCorp); PubMed 33309985 (cited by Women's Health and Genetics/Laboratory Corporation of America, LabCorp); PubMed 24163379 (cited by Women's Health and Genetics/Laboratory Corporation of America, LabCorp).

NM_000077.5(CDKN2A):c.416G>A (p.Gly139Asp)

Gene: CDKN2A (cyclin dependent kinase inhibitor 2A; minus strand). Cytogenetic location: 9p21.3.
Variant type: single nucleotide variant.
Coding change: c.416G>A on transcript NM_000077.5; coding-DNA position 416, G replaced by A.
Protein change: p.Gly139Asp; replaces glycine 139 with aspartic acid.
Molecular consequence: missense variant (on NM_000077.6). On other transcripts: 3 prime UTR variant (2).
Genome position (GRCh38, 1-based): chr9:21,970,943, C>T on the plus strand (G>A on the coding strand, the complement: CDKN2A is on the minus strand). VCF-style: chr9-21970943-C-T. GRCh37 (hg19) VCF-style: chr9-21970942-C-T.
Other names: c.416G>A, p.Gly139Asp (NM_000077.6, NM_001195132.2); c.263G>A, p.Gly88Asp (NM_001363763.2); c.*60G>A (NM_058195.4); c.*339G>A (NM_058197.5); short protein forms G139D, G88D.
Identifiers: ClinVar variation 491576 (VCV000491576.18), dbSNP rs149937815, ClinGen allele CA5012159.